The following is an entry in ClinVar:

ClinVar aggregate classification (germline): Likely benign. Review status: criteria provided, single submitter (1 of 4 stars). 2 submissions from 1 submitter: Likely benign (2). Last evaluated 2018-01-13.

Conditions:
Glaucoma 3A. Also called: Glaucoma 3, primary congenital, A. Identifiers: Orphanet 98976, Orphanet 98977, MedGen C1856439, MONDO:0009277, OMIM 231300.
Irido-corneo-trabecular dysgenesis (ASGD5). Also called: ANTERIOR SEGMENT DYSGENESIS 5. Identifiers: Orphanet 708, MedGen C0344559, MONDO:0011414, OMIM 604229, HP:0000659.

Allele frequency attached by ClinVar (database versions not stated): gnomAD exomes 0.00226; 1000 Genomes Project 0.01018; 1000 Genomes Project 30x 0.01031; gnomAD 0.01047 and 0.01121; TOPMed 0.01230.

Submissions (2):

Illumina Laboratory Services, Illumina
Classification: Likely benign for Irido-corneo-trabecular dysgenesis. Last evaluated: 2018-01-13. Review status: criteria provided, single submitter. Criteria: ICSL Variant Classification Criteria 13 December 2019. Collection method: clinical testing. Allele origin: germline.
Comment: This variant was observed in the ICSL laboratory as part of a predisposition screen in an ostensibly healthy population. It had not been previously curated by ICSL or reported in the Human Gene Mutation Database (HGMD: prior to June 1st, 2018), and was therefore a candidate for classification through an automated scoring system. Utilizing variant allele frequency, disease prevalence and penetrance estimates, and inheritance mode, an automated score was calculated to assess if this variant is too frequent to cause the disease. Based on the score and internal cut-off values, a variant classified as likely benign is not then subjected to further curation. The score for this variant resulted in a classification of likely benign for this disease.

Illumina Laboratory Services, Illumina
Classification: Likely benign for Glaucoma 3A. Last evaluated: 2018-01-13. Review status: criteria provided, single submitter. Criteria: ICSL Variant Classification Criteria 13 December 2019. Collection method: clinical testing. Allele origin: germline.
Comment: the same text as in the submission from Illumina Laboratory Services, Illumina above.

NM_000104.4(CYP1B1):c.*2158T>C

Gene: CYP1B1 (cytochrome P450 family 1 subfamily B member 1; minus strand). Cytogenetic location: 2p22.2.
Variant type: single nucleotide variant.
Coding change: c.*2158T>C on transcript NM_000104.4 (MANE Select); 2158 bases downstream of the stop codon, T replaced by C.
Molecular consequence: 3 prime UTR variant.
Genome position (GRCh38, 1-based): chr2:38,068,564, A>G on the plus strand (T>C on the coding strand, the complement: CYP1B1 is on the minus strand). VCF-style: chr2-38068564-A-G. GRCh37 (hg19) VCF-style: chr2-38295707-A-G.
Identifiers: ClinVar variation 335916 (VCV000335916.5), dbSNP rs112948057, ClinGen allele CA10615371.